The following is an entry in ClinVar:

ClinVar aggregate classification (germline): Uncertain significance. Review status: criteria provided, multiple submitters, no conflicts (2 of 4 stars). 3 submissions from 3 submitters: Uncertain significance (3). Last evaluated 2025-09-10.

Conditions:
Cortical dysplasia, complex, with other brain malformations 10. Identifiers: MedGen C5231458, MONDO:0032866, OMIM 618677.
Inborn genetic diseases. Identifiers: MedGen C0950123, MeSH D030342.

Allele frequency attached by ClinVar (database versions not stated): ExAC 0.00014; ESP Exome Variant Server 0.00023; 1000 Genomes Project 30x 0.00031; gnomAD exomes 0.00007.
gnomAD v4.1: 151 of 1,613,184 alleles (0.0094%); highest among the groups gnomAD compares: African/African-American, 0.055%; no homozygotes.

Submissions (3):

Ambry Genetics
Classification: Uncertain significance for Inborn genetic diseases. Last evaluated: 2025-09-10. Review status: criteria provided, single submitter. Criteria: Ambry Variant Classification Scheme 2023. Collection method: clinical testing. Allele origin: germline.

Victorian Clinical Genetics Services, Murdoch Childrens Research Institute
Classification: Uncertain significance for Cortical dysplasia, complex, with other brain malformations 10. Last evaluated: 2024-10-10. Review status: criteria provided, single submitter. Criteria: ACMG Guidelines, 2015. Collection method: clinical testing. Allele origin: germline. Inheritance: Autosomal recessive inheritance. Affected: yes.
Comment: Based on the classification scheme VCGS_Germline_v1.3.5, this variant is classified as VUS-3B. Following criteria are met: 0102 - Loss of function is a known mechanism of disease in this gene and is associated with cortical dysplasia, complex, with other brain malformations 10 (MIM#618677) and intellectual developmental disorder, autosomal recessive 74 (MIM#617169). (I) 0106 - This gene is associated with autosomal recessive disease. (I) 0115 - Variants in this gene are known to have variable expressivity. Intra-familial varibility has been reported (PMID: 31585108). (I) 0200 - Variant is predicted to result in a missense amino acid change from glycine to serine. (I) 0251 - This variant is heterozygous. (I) 0304 - Variant is present in gnomAD (v4) <0.01 for a recessive condition (151 heterozygotes, 0 homozygotes). (SP) 0309 - Multiple alternative amino acid changes at the same position have been observed in gnomAD (v4) (highest allele count: 16 heterozygotes, 0 homozygotes). (I) 0502 - Missense variant with conflicting in silico predictions and uninformative conservation. (I) 0604 - Variant is not located in an established domain, motif, hotspot or informative constraint region. (I) 0705 - No comparable missense variants have previous evidence for pathogenicity. (I) 0809 - Previous evidence of pathogenicity for this variant is inconclusive. This variant has been reported as a VUS twice (ClinVar). (I) 0905 - No published segregation evidence has been identified for this variant. (I) 1007 - No published functional evidence has been identified for this variant. (I) Legend: (SP) - Supporting pathogenic, (I) - Information, (SB) - Supporting benign

Labcorp Genetics (formerly Invitae), Labcorp
Classification: Uncertain significance. Last evaluated: 2023-08-06. Review status: criteria provided, single submitter. Criteria: Invitae Variant Classification Sherloc (09022015). Collection method: clinical testing. Allele origin: germline.
Comment: Advanced modeling of protein sequence and biophysical properties (such as structural, functional, and spatial information, amino acid conservation, physicochemical variation, residue mobility, and thermodynamic stability) performed at Invitae indicates that this missense variant is not expected to disrupt APC2 protein function. In summary, the available evidence is currently insufficient to determine the role of this variant in disease. Therefore, it has been classified as a Variant of Uncertain Significance. ClinVar contains an entry for this variant (Variation ID: 2152625). This variant has not been reported in the literature in individuals affected with APC2-related conditions. This variant is present in population databases (rs35991061, gnomAD 0.06%). This sequence change replaces glycine, which is neutral and non-polar, with serine, which is neutral and polar, at codon 489 of the APC2 protein (p.Gly489Ser).

Literature cited by the submitters: PubMed 31585108 (cited by Victorian Clinical Genetics Services, Murdoch Childrens Research Institute).

NM_005883.3(APC2):c.1465G>A (p.Gly489Ser)

Gene: APC2 (APC regulator of Wnt signaling pathway 2; plus strand). Cytogenetic location: 19p13.3.
Variant type: single nucleotide variant.
Coding change: c.1465G>A on transcript NM_005883.3 (MANE Select); coding-DNA position 1465, G replaced by A.
Protein change: p.Gly489Ser; replaces glycine 489 with serine.
Molecular consequence: missense variant.
Genome position (GRCh38, 1-based): chr19:1,460,801, G>A. VCF-style: chr19-1460801-G-A. GRCh37 (hg19) VCF-style: chr19-1460800-G-A.
Other names: c.1465G>A (NM_005883.2); c.1462G>A, p.Gly488Ser (NM_001351273.1); short protein forms G489S, G488S.
Identifiers: ClinVar variation 2152625 (VCV002152625.6), dbSNP rs35991061, ClinGen allele CA9045112.
Genomic context (GRCh38, chr19:1,460,801, plus strand): 5'-GTCCCAACCCCGTGACCCCGGCTGCATAACCCCCAACAGGCCACCCTGTGTGCGCGCCGC[G>A]GCTGCATGGAGGCCATCGTGGCCCAGCTGGCCTCCGACAGTGAGGAGCTCCACCAGGTAC-3'
Protein context (NP_005874.1, residues 479-499): ANKATLCARR[Gly489Ser]CMEAIVAQLA